The following is an entry in ClinVar:

NM_183050.4(BCKDHB):c.672T>G (p.Leu224=)

Gene: BCKDHB (branched chain keto acid dehydrogenase E1 subunit beta; plus strand). Cytogenetic location: 6q14.1.
Variant type: single nucleotide variant.
Coding change: c.672T>G on transcript NM_183050.4 (MANE Select); coding-DNA position 672, T replaced by G.
Protein change: p.Leu224=; no amino-acid change (leucine 224 retained).
Molecular consequence: synonymous variant. On other transcripts: non-coding transcript variant (1).
Genome position (GRCh38, 1-based): chr6:80,171,320, T>G. VCF-style: chr6-80171320-T-G. GRCh37 (hg19) VCF-style: chr6-80881037-T-G.
Other names: c.672T>G, p.Leu224= (NM_000056.5); c.462T>G, p.Leu154= (NM_001318975.1).
Identifiers: ClinVar variation 512545 (VCV000512545.9), dbSNP rs1488608145, ClinGen allele CA451072920.

ClinVar aggregate classification (germline): Likely benign. Review status: criteria provided, multiple submitters, no conflicts (2 of 4 stars). 2 submissions from 2 submitters: Likely benign (2). Last evaluated 2023-08-07.

Conditions:
Maple syrup urine disease (MSUD). Identifiers: Orphanet 511, MedGen C0024776, MeSH D008375, MONDO:0009563. Disease mechanism: loss of function.

Allele frequency attached by ClinVar (database versions not stated): gnomAD 0.00001; gnomAD exomes 0.00002 and below 0.00001; TOPMed 0.00002.
gnomAD v4.1: 25 of 1,609,138 alleles (0.0016%); highest among the groups gnomAD compares: Non-Finnish European, 0.002%; no homozygotes.

Submissions (2):

Labcorp Genetics (formerly Invitae), Labcorp
Classification: Likely benign for Maple syrup urine disease. Last evaluated: 2023-08-07. Review status: criteria provided, single submitter. Criteria: Invitae Variant Classification Sherloc (09022015). Collection method: clinical testing. Allele origin: germline.

GeneDx
Classification: Likely benign. Last evaluated: 2017-10-23. Review status: criteria provided, single submitter. Criteria: GeneDx Variant Classification (06012015). Collection method: clinical testing. Allele origin: germline. Affected: yes.
Comment: This variant is considered likely benign or benign based on one or more of the following criteria: it is a conservative change, it occurs at a poorly conserved position in the protein, it is predicted to be benign by multiple in silico algorithms, and/or has population frequency not consistent with disease.